The following is an entry in ClinVar:

NM_001099922.3(ALG13):c.2787A>C (p.Pro929=)

Gene: ALG13 (ALG13 UDP-N-acetylglucosaminyltransferase subunit; plus strand). Cytogenetic location: Xq23.
Variant type: single nucleotide variant.
Coding change: c.2787A>C on transcript NM_001099922.3 (MANE Select); coding-DNA position 2787, A replaced by C.
Protein change: p.Pro929=; no amino-acid change (proline 929 retained).
Molecular consequence: synonymous variant. On other transcripts: intron variant (5).
Genome position (GRCh38, 1-based): chrX:111,744,759, A>C. VCF-style: chrX-111744759-A-C. GRCh37 (hg19) VCF-style: chrX-110987987-A-C.
Other names: c.2553A>C, p.Pro851= (NM_001257231.2); c.2383+7880A>C (NM_001257237.2, NM_001257234.2, NM_001257230.2); c.2209+7880A>C (NM_001324293.1); c.2695+7880A>C (NM_001324292.2).
Identifiers: ClinVar variation 772456 (VCV000772456.12), dbSNP rs772431643, ClinGen allele CA518059786.

ClinVar aggregate classification (germline): Likely benign. Review status: criteria provided, multiple submitters, no conflicts (2 of 4 stars). 3 submissions from 3 submitters: Likely benign (2). 1 of the submissions does not count toward it. Last evaluated 2026-01-07.

Conditions:
ALG13-related disorder. Also called: ALG13-related condition.
Developmental and epileptic encephalopathy, 36 (DEE36). Also called: ALG13-CDG; Congenital disorder of glycosylation, type Is; Epileptic encephalopathy, early infantile, 36. Identifiers: Orphanet 324422, MedGen C4317295, MONDO:0010472, OMIM 300884.

Submissions (3):

Labcorp Genetics (formerly Invitae), Labcorp
Classification: Likely benign for Developmental and epileptic encephalopathy, 36. Last evaluated: 2026-01-07. Review status: criteria provided, single submitter. Criteria: Invitae Variant Classification Sherloc (09022015). Collection method: clinical testing. Allele origin: germline.

Blueprint Genetics
Classification: Likely benign. Last evaluated: 2024-11-28. Review status: criteria provided, single submitter. Criteria: ACMG Guidelines, 2015. Collection method: clinical testing. Allele origin: germline.

PreventionGenetics, part of Exact Sciences
Classification: Likely benign for ALG13-related condition. Last evaluated: 2019-05-10. Review status: no assertion criteria provided. Collection method: clinical testing. Allele origin: germline. Not counted in ClinVar's aggregate classification.
Comment: This variant is classified as likely benign based on ACMG/AMP sequence variant interpretation guidelines (Richards et al. 2015 PMID: 25741868, with internal and published modifications).